The following is an entry in ClinVar:

ClinVar aggregate classification (germline): Uncertain significance (1 of 4 stars; one submission).

gnomAD v4.1: 9 of 1,232,266 alleles (0.00073%); highest among the groups gnomAD compares: Non-Finnish European, 0.00091%; no homozygotes.

Submission:

GeneDx
Classification: Uncertain significance. Last evaluated: 2025-01-03. Review status: criteria provided, single submitter. Criteria: GeneDx Variant Classification Process June 2021. Collection method: clinical testing. Allele origin: germline. Affected: yes.
Comment: In silico analysis supports that this missense variant has a deleterious effect on protein structure/function; Has not been previously published as pathogenic or benign to our knowledge; No data available from control populations to assess the frequency of this variant

NM_001287491.2(TET3):c.43C>T (p.Pro15Ser)

Gene: TET3 (tet methylcytosine dioxygenase 3; plus strand). Cytogenetic location: 2p13.1.
Variant type: single nucleotide variant.
Coding change: c.43C>T on transcript NM_001287491.2 (MANE Select); coding-DNA position 43, C replaced by T.
Protein change: p.Pro15Ser; replaces proline 15 with serine.
Molecular consequence: missense variant.
Genome position (GRCh38, 1-based): chr2:73,986,446, C>T. VCF-style: chr2-73986446-C-T. GRCh37 (hg19) VCF-style: chr2-74213573-C-T.
Other names: short protein forms P15S.
Identifiers: ClinVar variation 4055904 (VCV004055904.1).